The following is an entry in ClinVar:

NM_016333.4(SRRM2):c.6470T>C (p.Met2157Thr)

Gene: SRRM2 (serine/arginine repetitive matrix 2; plus strand). Cytogenetic location: 16p13.3.
Variant type: single nucleotide variant.
Coding change: c.6470T>C on transcript NM_016333.4 (MANE Select); coding-DNA position 6470, T replaced by C.
Protein change: p.Met2157Thr; replaces methionine 2157 with threonine.
Molecular consequence: missense variant.
Genome position (GRCh38, 1-based): chr16:2,766,998, T>C. VCF-style: chr16-2766998-T-C. GRCh37 (hg19) VCF-style: chr16-2816999-T-C.
Other names: short protein forms M2157T.
Identifiers: ClinVar variation 4846943 (VCV004846943.1).

ClinVar aggregate classification (germline): Uncertain significance (1 of 4 stars; one submission).

Conditions:
Intellectual developmental disorder, autosomal dominant 72 (MRD72). Identifiers: Orphanet 652487, MedGen C5830612, MONDO:0957397, OMIM 620439.

gnomAD v4.1: 1 of 1,614,106 alleles (0.000062%); highest among the groups gnomAD compares: African/African-American, 0.0013%; no homozygotes.

Submission:

Laboratorio de Genetica e Diagnostico Molecular, Hospital Israelita Albert Einstein
Classification: Uncertain significance for Intellectual developmental disorder, autosomal dominant 72. Last evaluated: 2025-07-25. Review status: criteria provided, single submitter. Criteria: ACMG Guidelines, 2015. Collection method: clinical testing. Allele origin: germline. Affected: yes.
Comment: ACMG classification criteria: PM2 supporting, BP4 supporting